The following is an entry in ClinVar:

ClinVar aggregate classification (germline): Uncertain significance. Review status: criteria provided, multiple submitters, no conflicts (2 of 4 stars). 4 submissions from 4 submitters: Uncertain significance (4). Last evaluated 2022-12-27.

Conditions:
Inborn genetic diseases. Identifiers: MedGen C0950123, MeSH D030342.
Primary ciliary dyskinesia. Also called: Ciliary dyskinesia. Identifiers: Orphanet 244, MedGen C0008780, MONDO:0016575, HP:0012265.

Allele frequency attached by ClinVar (database versions not stated): gnomAD 0.00021 and 0.00022; TOPMed 0.00021; gnomAD exomes 0.00025; ExAC 0.00028; ESP Exome Variant Server 0.00031.
gnomAD v4.1: 565 of 1,613,806 alleles (0.035%); highest among the groups gnomAD compares: Non-Finnish European, 0.041%; 2 homozygotes.

Submissions (4):

Ambry Genetics
Classification: Uncertain significance for Inborn genetic diseases. Last evaluated: 2022-12-27. Review status: criteria provided, single submitter. Criteria: Ambry Variant Classification Scheme 2023. Collection method: clinical testing. Allele origin: germline.

Labcorp Genetics (formerly Invitae), Labcorp
Classification: Uncertain significance for Primary ciliary dyskinesia. Last evaluated: 2022-08-19. Review status: criteria provided, single submitter. Criteria: Invitae Variant Classification Sherloc (09022015). Collection method: clinical testing. Allele origin: germline.
Comment: This sequence change replaces serine, which is neutral and polar, with threonine, which is neutral and polar, at codon 72 of the DRC1 protein (p.Ser72Thr). This variant is present in population databases (rs149398412, gnomAD 0.09%). This variant has not been reported in the literature in individuals affected with DRC1-related conditions. ClinVar contains an entry for this variant (Variation ID: 454986). Algorithms developed to predict the effect of missense changes on protein structure and function are either unavailable or do not agree on the potential impact of this missense change (SIFT: "Tolerated"; PolyPhen-2: "Probably Damaging"; Align-GVGD: "Class C0"). In summary, the available evidence is currently insufficient to determine the role of this variant in disease. Therefore, it has been classified as a Variant of Uncertain Significance.

UNC Molecular Genetics  Laboratory, University of North Carolina at Chapel Hill
Classification: Uncertain significance for Primary ciliary dyskinesia. Last evaluated: 2021-06-04. Review status: criteria provided, single submitter. Criteria: ACMG Guidelines, 2015. Collection method: clinical testing. Allele origin: germline. Observed: 1 heterozygote.

Breakthrough Genomics
Classification: Uncertain significance. Review status: criteria provided, single submitter. Criteria: ACMG Guidelines, 2015. Collection method: not provided. Allele origin: germline. Inheritance: Autosomal recessive inheritance. Affected: yes.

NM_145038.5(DRC1):c.215G>C (p.Ser72Thr)

Gene: DRC1 (dynein regulatory complex subunit 1; plus strand). Cytogenetic location: 2p23.3.
Variant type: single nucleotide variant.
Coding change: c.215G>C on transcript NM_145038.5 (MANE Select); coding-DNA position 215, G replaced by C.
Protein change: p.Ser72Thr; replaces serine 72 with threonine.
Molecular consequence: missense variant.
Genome position (GRCh38, 1-based): chr2:26,414,403, G>C. VCF-style: chr2-26414403-G-C. GRCh37 (hg19) VCF-style: chr2-26637271-G-C.
Other names: short protein forms S72T.
Identifiers: ClinVar variation 454986 (VCV000454986.7), dbSNP rs149398412, ClinGen allele CA1561798.